The following is an entry in ClinVar:

NM_001369.3(DNAH5):c.13630G>A (p.Gly4544Ser)

Gene: DNAH5 (dynein axonemal heavy chain 5; minus strand). Cytogenetic location: 5p15.2.
Variant type: single nucleotide variant.
Coding change: c.13630G>A on transcript NM_001369.3 (MANE Select); coding-DNA position 13630, G replaced by A.
Protein change: p.Gly4544Ser; replaces glycine 4544 with serine.
Molecular consequence: missense variant.
Genome position (GRCh38, 1-based): chr5:13,700,733, C>T on the plus strand (G>A on the coding strand, the complement: DNAH5 is on the minus strand). VCF-style: chr5-13700733-C-T. GRCh37 (hg19) VCF-style: chr5-13700842-C-T.
Other names: short protein forms G4544S.
Identifiers: ClinVar variation 1049917 (VCV001049917.1), dbSNP rs747063945, ClinGen allele CA359191350.

ClinVar aggregate classification (germline): Uncertain significance (0 of 4 stars; one submission).

Submission:

Department of Pathology and Laboratory Medicine, Sinai Health System
Classification: Uncertain significance. Review status: no assertion criteria provided. Collection method: clinical testing. Allele origin: unknown. Affected: yes. Study: The Canadian Open Genetics Repository (COGR).
Comment: The DNAH5 p.Gly4544Ser variant was not identified in the literature nor was it identified in dbSNP, ClinVar or in the following control databases: the 1000 Genomes Project, the NHLBI GO Exome Sequencing Project, or the Genome Aggregation Database (March 6, 2019, v2.1.1). The p.Gly4544 residue is conserved in mammals but not in more distantly related organisms however four out of five computational analyses (PolyPhen-2, SIFT, AlignGVGD, BLOSUM, MutationTaster) do not suggest a high likelihood of impact to the protein; this information is not predictive enough to rule out pathogenicity. The variant occurs outside of the splicing consensus sequence and 1 of 4 in silico or computational prediction software programs (SpliceSiteFinder, MaxEntScan, NNSPLICE, GeneSplicer) predict a greater than 10% difference in splicing; this is not very predictive of pathogenicity. In summary, based on the above information the clinical significance of this variant cannot be determined with certainty at this time. This variant is classified as a variant of uncertain significance.